The following is an entry in ClinVar:

ClinVar aggregate classification (germline): Uncertain significance (1 of 4 stars; one submission).

Submission:

Labcorp Genetics (formerly Invitae), Labcorp
Classification: Uncertain significance. Last evaluated: 2022-08-10. Review status: criteria provided, single submitter. Criteria: Invitae Variant Classification Sherloc (09022015). Collection method: clinical testing. Allele origin: germline.
Comment: In summary, the available evidence is currently insufficient to determine the role of this variant in disease. Therefore, it has been classified as a Variant of Uncertain Significance. Algorithms developed to predict the effect of missense changes on protein structure and function are either unavailable or do not agree on the potential impact of this missense change (SIFT: "Tolerated"; PolyPhen-2: "Probably Damaging"; Align-GVGD: "Class C0"). This variant has not been reported in the literature in individuals affected with IFNAR2-related conditions. This variant is not present in population databases (gnomAD no frequency). This sequence change replaces aspartic acid, which is acidic and polar, with asparagine, which is neutral and polar, at codon 497 of the IFNAR2 protein (p.Asp497Asn).

NM_001289125.3(IFNAR2):c.1489G>A (p.Asp497Asn)

Genes: IFNAR2 (interferon alpha and beta receptor subunit 2; plus strand), IFNAR2-IL10RB (IFNAR2-IL10RB readthrough; plus strand). Cytogenetic location: 21q22.11.
Variant type: single nucleotide variant.
Coding change: c.1489G>A on transcript NM_001289125.3 (MANE Select); coding-DNA position 1489, G replaced by A.
Protein change: p.Asp497Asn; replaces aspartic acid 497 with asparagine.
Molecular consequence: missense variant. On other transcripts: 3 prime UTR variant (5), intron variant (1).
Genome position (GRCh38, 1-based): chr21:33,263,441, G>A. VCF-style: chr21-33263441-G-A. GRCh37 (hg19) VCF-style: chr21-34635746-G-A.
Other names: c.*725G>A (NM_000874.5, NM_207584.3); c.*638G>A (NM_001289126.2, NM_001289128.2); c.*864G>A (NM_001385054.1); c.1489G>A, p.Asp497Asn (NM_207585.3); c.1318+171G>A (NM_001385055.1); short protein forms D497N.
Identifiers: ClinVar variation 1941673 (VCV001941673.5), dbSNP rs2516766161, ClinGen allele CA410106292.